The following is an entry in ClinVar:

ClinVar aggregate classification (germline): Uncertain significance (1 of 4 stars; one submission).

Submission:

Labcorp Genetics (formerly Invitae), Labcorp
Classification: Uncertain significance. Last evaluated: 2024-11-18. Review status: criteria provided, single submitter. Criteria: Invitae Variant Classification Sherloc (09022015). Collection method: clinical testing. Allele origin: germline.
Comment: This sequence change replaces alanine, which is neutral and non-polar, with proline, which is neutral and non-polar, at codon 185 of the RP1L1 protein (p.Ala185Pro). This variant is not present in population databases (gnomAD no frequency). This variant has not been reported in the literature in individuals affected with RP1L1-related conditions. Invitae Evidence Modeling of protein sequence and biophysical properties (such as structural, functional, and spatial information, amino acid conservation, physicochemical variation, residue mobility, and thermodynamic stability) has been performed for this missense variant. However, the output from this modeling did not meet the statistical confidence thresholds required to predict the impact of this variant on RP1L1 protein function. In summary, the available evidence is currently insufficient to determine the role of this variant in disease. Therefore, it has been classified as a Variant of Uncertain Significance.

NM_178857.6(RP1L1):c.553G>C (p.Ala185Pro)

Gene: RP1L1 (RP1 like 1). Cytogenetic location: 8p23.1.
Variant type: single nucleotide variant.
Coding change: c.553G>C on transcript NM_178857.6 (MANE Select); coding-DNA position 553, G replaced by C.
Protein change: p.Ala185Pro; replaces alanine 185 with proline.
Molecular consequence: missense variant.
Genome position (GRCh38, 1-based): chr8:10,622,649, C>G on the plus strand (G>C on the coding strand, the complement: RP1L1 is on the minus strand). VCF-style: chr8-10622649-C-G. GRCh37 (hg19) VCF-style: chr8-10480159-C-G.
Other names: short protein forms A185P.
Identifiers: ClinVar variation 3613201 (VCV003613201.2).
Genomic context (GRCh38, chr8:10,622,649, plus strand): 5'-CTACCTTTTTCCCGCTGGTCGTGTACAACTGCTTCACAGGAAAGCGCAGGAGATCTGAGG[C>G]TTTGCCGAGAAAGGCGGCCAGGTTCCTAGTATTCCTGTGACTGAGAACCACTGTCTGCTG-3'
Protein context (NP_849188.4, residues 175-195): TRNLAAFLGK[Ala185Pro]SDLLRFPVKQ